The following is an entry in ClinVar:

ClinVar aggregate classification (germline): Conflicting classifications of pathogenicity. Review status: criteria provided, conflicting classifications (1 of 4 stars). 4 submissions from 4 submitters: Uncertain significance (1); Likely benign (3). Last evaluated 2026-02-09.

Conditions:
FAT4-related disorder. Also called: FAT4-related condition.
Inborn genetic diseases. Identifiers: MedGen C0950123, MeSH D030342.

Allele frequency attached by ClinVar (database versions not stated): gnomAD 0.00006 and 0.00013; TOPMed 0.00007; gnomAD exomes 0.00014 and 0.00017; ExAC 0.00024; 1000 Genomes Project 0.00140; 1000 Genomes Project 30x 0.00141.
gnomAD v4.1: 212 of 1,613,612 alleles (0.013%); highest among the groups gnomAD compares: East Asian, 0.47%; no homozygotes.

Submissions (4):

PreventionGenetics, part of Exact Sciences
Classification: Likely benign for FAT4-related condition. Last evaluated: 2026-02-09. Review status: criteria provided, single submitter. Criteria: ACMG Guidelines, 2015. Collection method: clinical testing. Allele origin: germline.
Comment: This variant is classified as likely benign based on ACMG/AMP sequence variant interpretation guidelines (Richards et al. 2015 PMID: 25741868, with internal and published modifications).

Labcorp Genetics (formerly Invitae), Labcorp
Classification: Likely benign. Last evaluated: 2025-12-10. Review status: criteria provided, single submitter. Criteria: Invitae Variant Classification Sherloc (09022015). Collection method: clinical testing. Allele origin: germline.

Ambry Genetics
Classification: Likely benign for Inborn genetic diseases. Last evaluated: 2025-09-05. Review status: criteria provided, single submitter. Criteria: Ambry Variant Classification Scheme 2023. Collection method: clinical testing. Allele origin: germline.

GeneDx
Classification: Uncertain significance. Last evaluated: 2024-05-22. Review status: criteria provided, single submitter. Criteria: GeneDx Variant Classification Process June 2021. Collection method: clinical testing. Allele origin: germline. Affected: yes.
Comment: In silico analysis indicates that this missense variant does not alter protein structure/function; Has not been previously published as pathogenic or benign to our knowledge

NM_001291303.3(FAT4):c.5530C>T (p.Pro1844Ser)

Gene: FAT4 (FAT atypical cadherin 4; plus strand). Cytogenetic location: 4q28.1.
Variant type: single nucleotide variant.
Coding change: c.5530C>T on transcript NM_001291303.3 (MANE Select); coding-DNA position 5530, C replaced by T.
Protein change: p.Pro1844Ser; replaces proline 1844 with serine.
Molecular consequence: missense variant.
Genome position (GRCh38, 1-based): chr4:125,407,102, C>T. VCF-style: chr4-125407102-C-T. GRCh37 (hg19) VCF-style: chr4-126328257-C-T.
Other names: c.5530C>T (NM_001291303.1); c.5530C>T, p.Pro1844Ser (NM_001291285.3, NM_024582.6); short protein forms P1844S.
Identifiers: ClinVar variation 756222 (VCV000756222.11), dbSNP rs76963800, ClinGen allele CA3072738.